The following is an entry in ClinVar:

NC_000006.12:g.(?_57186982)_(57222324_?)del

Gene: RAB23 (RAB23, member RAS oncogene family; minus strand). Cytogenetic location: 6p11.2.
Variant type: Deletion.
Identifiers: ClinVar variation 832125 (VCV000832125.4).

ClinVar aggregate classification (germline): Pathogenic (1 of 4 stars; one submission).

Conditions:
Carpenter syndrome. Identifiers: Orphanet 65759, MedGen C1275078, MONDO:0019012.

Submission:

Labcorp Genetics (formerly Invitae), Labcorp
Classification: Pathogenic for Carpenter syndrome. Last evaluated: 2019-09-28. Review status: criteria provided, single submitter. Criteria: Invitae Variant Classification Sherloc (09022015). Collection method: clinical testing. Allele origin: germline.
Comment: A gross deletion of the genomic region encompassing the full coding sequence of the RAB23 gene has been identified. The boundaries of this event are unknown as the deletion extends beyond the assayed region for this gene and therefore may encompass additional genes. This variant has not been reported in the literature in individuals with RAB23-related conditions. Loss-of-function variants in RAB23 are known to be pathogenic (PMID: 17503333, 21412941). For these reasons, this variant has been classified as Pathogenic.

Literature cited by the submitters: PubMed 17503333; PubMed 21412941.